The following is an entry in ClinVar:

NM_001369268.1(ACAN):c.1873G>T (p.Gly625Cys)

Gene: ACAN (aggrecan; plus strand). Cytogenetic location: 15q26.1.
Variant type: single nucleotide variant.
Coding change: c.1873G>T on transcript NM_001369268.1 (MANE Select); coding-DNA position 1873, G replaced by T.
Protein change: p.Gly625Cys; replaces glycine 625 with cysteine.
Molecular consequence: missense variant.
Genome position (GRCh38, 1-based): chr15:88,849,578, G>T. VCF-style: chr15-88849578-G-T. GRCh37 (hg19) VCF-style: chr15-89392809-G-T.
Other names: c.1873G>T, p.Gly625Cys (NM_001135.4, NM_001411096.1, NM_001411097.1 and 1 more transcripts); short protein forms G625C.
Identifiers: ClinVar variation 3625185 (VCV003625185.2).
Genomic context (GRCh38, chr15:88,849,578, plus strand): 5'-CTGGCCACCACGGGCCAGCTCTACGCCGCCTGGAGCCGCGGCCTGGACAAGTGCTATGCC[G>T]GCTGGCTGGCCGACGGCAGCCTCCGCTACCCCATCGTCACCCCAAGGCCTGCCTGCGGTG-3'
Protein context (NP_001356197.1, residues 615-635): WSRGLDKCYA[Gly625Cys]WLADGSLRYP

ClinVar aggregate classification (germline): Uncertain significance (1 of 4 stars; one submission).

gnomAD v4.1: 5 of 1,607,848 alleles (0.00031%); highest among the groups gnomAD compares: Non-Finnish European, 0.00042%; no homozygotes.

Submission:

Labcorp Genetics (formerly Invitae), Labcorp
Classification: Uncertain significance. Last evaluated: 2025-03-05. Review status: criteria provided, single submitter. Criteria: Invitae Variant Classification Sherloc (09022015). Collection method: clinical testing. Allele origin: germline.
Comment: This sequence change replaces glycine, which is neutral and non-polar, with cysteine, which is neutral and slightly polar, at codon 625 of the ACAN protein (p.Gly625Cys). This variant is present in population databases (rs148018909, gnomAD 0.002%). This variant has not been reported in the literature in individuals affected with ACAN-related conditions. Invitae Evidence Modeling of protein sequence and biophysical properties (such as structural, functional, and spatial information, amino acid conservation, physicochemical variation, residue mobility, and thermodynamic stability) indicates that this missense variant is not expected to disrupt ACAN protein function with a negative predictive value of 80%. In summary, the available evidence is currently insufficient to determine the role of this variant in disease. Therefore, it has been classified as a Variant of Uncertain Significance.